The following is an entry in ClinVar:

NM_001244753.2(FCGR3B):c.312C>A (p.Val104=)

Gene: FCGR3B (Fc gamma receptor IIIb; minus strand). Cytogenetic location: 1q23.3.
Variant type: single nucleotide variant.
Coding change: c.312C>A on transcript NM_001244753.2 (MANE Select); coding-DNA position 312, C replaced by A.
Protein change: p.Val104=; no amino-acid change (valine 104 retained).
Molecular consequence: synonymous variant.
Genome position (GRCh38, 1-based): chr1:161,629,785, G>T on the plus strand (C>A on the coding strand, the complement: FCGR3B is on the minus strand). VCF-style: chr1-161629785-G-T. GRCh37 (hg19) VCF-style: chr1-161599575-G-T.
Other names: c.312C>A, p.Val104= (NM_000570.5); c.309C>A, p.Val103= (NM_001271035.2); c.261C>A, p.Val87= (NM_001271036.2, NM_001271037.2).
Identifiers: ClinVar variation 2639515 (VCV002639515.24), dbSNP rs200303549, ClinGen allele CA1212447.

ClinVar aggregate classification (germline): Benign (1 of 4 stars; one submission).

Allele frequency attached by ClinVar (database versions not stated): 1000 Genomes Project 0.00339; 1000 Genomes Project 30x 0.00390; ESP Exome Variant Server 0.00804; ExAC 0.00886; gnomAD exomes 0.01040; gnomAD 0.01067.

Submission:

CeGaT Center for Human Genetics Tuebingen
Classification: Benign. Last evaluated: 2026-06-01. Review status: criteria provided, single submitter. Criteria: CeGaT Center For Human Genetics Tuebingen Variant Classification Criteria Version 2. Collection method: clinical testing. Allele origin: germline. Affected: yes. Observed: 5 variant alleles.
Comment: FCGR3B: BP4, BP7, BS1, BS2